The following is an entry in ClinVar:

ClinVar aggregate classification (germline): Likely pathogenic (1 of 4 stars; one submission).

Submission:

GeneDx
Classification: Likely pathogenic. Last evaluated: 2023-06-09. Review status: criteria provided, single submitter. Criteria: GeneDx Variant Classification Process June 2021. Collection method: clinical testing. Allele origin: germline. Affected: yes.
Comment: Not observed at significant frequency in large population cohorts (gnomAD); In silico analysis supports that this missense variant has a deleterious effect on protein structure/function; This variant is associated with the following publications: (PMID: 31981491, 25418537, 36182950)

NM_001170629.2(CHD8):c.2086C>A (p.Gln696Lys)

Gene: CHD8 (chromodomain helicase DNA binding protein 8; minus strand). Cytogenetic location: 14q11.2.
Variant type: single nucleotide variant.
Coding change: c.2086C>A on transcript NM_001170629.2 (MANE Select); coding-DNA position 2086, C replaced by A.
Protein change: p.Gln696Lys; replaces glutamine 696 with lysine.
Molecular consequence: missense variant.
Genome position (GRCh38, 1-based): chr14:21,414,357, G>T on the plus strand (C>A on the coding strand, the complement: CHD8 is on the minus strand). VCF-style: chr14-21414357-G-T. GRCh37 (hg19) VCF-style: chr14-21882516-G-T.
Other names: c.1249C>A, p.Gln417Lys (NM_020920.4); short protein forms Q417K, Q696K.
Identifiers: ClinVar variation 3340949 (VCV003340949.1).